The following is an entry in ClinVar:

NM_004612.4(TGFBR1):c.680AAG[1] (p.Glu228del)

Gene: TGFBR1 (transforming growth factor beta receptor 1; plus strand). Cytogenetic location: 9q22.33.
Variant type: Microsatellite.
Coding change: c.680AAG[1] on transcript NM_004612.4 (MANE Select); one copy of the 3-base unit AAG starting at c.680; the reference has two copies in a row; one copy, 3 bases deleted.
Protein change: p.Glu228del; deletes glutamic acid 228.
Molecular consequence: inframe deletion.
Genome position (GRCh38, 1-based): chr9:99,137,967-99,137,969, AAG deleted; deleting any 3 consecutive bases within chr9:99,137,962-99,137,969 gives the same sequence; the position shown is the placement nearest the transcript's 3' end. VCF-style (leftmost placement, unchanged base first): chr9-99137961-GAGA-G. GRCh37 (hg19) VCF-style: chr9-101900243-GAGA-G.
Other names: c.683_685delAAG (NM_004612.2); c.449AAG[1], p.Glu151del (NM_001130916.3); c.692AAG[1], p.Glu232del (NM_001306210.2); short protein forms E228del, E151del, E232del.
Identifiers: ClinVar variation 213896 (VCV000213896.19), dbSNP rs863223829, ClinGen allele CA321828.

ClinVar aggregate classification (germline): Pathogenic. Review status: criteria provided, multiple submitters, no conflicts (2 of 4 stars). 5 submissions from 5 submitters: Pathogenic (5). Last evaluated 2025-07-03.

Conditions:
Loeys-Dietz syndrome (LDS). Identifiers: Orphanet 60030, MedGen C2697932, MONDO:0018954.
Familial thoracic aortic aneurysm and aortic dissection (TAAD). Also called: Thoracic aortic aneurysms and dissections. Identifiers: Orphanet 91387, MedGen C4707243, MONDO:0019625.

Submissions (5):

Labcorp Genetics (formerly Invitae), Labcorp
Classification: Pathogenic for Familial thoracic aortic aneurysm and aortic dissection. Last evaluated: 2025-07-03. Review status: criteria provided, single submitter. Criteria: Invitae Variant Classification Sherloc (09022015). Collection method: clinical testing. Allele origin: germline.
Comment: This variant, c.683_685del, results in the deletion of 1 amino acid(s) of the TGFBR1 protein (p.Glu228del), but otherwise preserves the integrity of the reading frame. This variant is not present in population databases (gnomAD no frequency). This variant has been observed in individual(s) with TGFBR1-related conditions (PMID: 18781618, 25644172, 29510914; https//DOI 10.5734/JGM.2013.10.1.47). In at least one individual the variant was observed to be de novo. ClinVar contains an entry for this variant (Variation ID: 213896). Experimental studies and prediction algorithms are not available or were not evaluated, and the functional significance of this variant is currently unknown. For these reasons, this variant has been classified as Pathogenic.

Women's Health and Genetics/Laboratory Corporation of America, LabCorp
Classification: Pathogenic for Loeys-Dietz syndrome. Last evaluated: 2022-09-26. Review status: criteria provided, single submitter. Criteria: LabCorp Variant Classification Summary - May 2015. Collection method: clinical testing. Allele origin: germline.
Comment: Variant summary: TGFBR1 c.683_685delAAG (p.Glu228del) results in an in-frame deletion that is predicted to remove one amino acids from the Protein kinase domain (IPR000719) in TGFBR1 protein. The variant was absent in 248038 control chromosomes (gnomAD). c.683_685delAAG has been reported in the literature in multiple individuals affected with Loeys-Dietz Syndrome, including de novo occurrences (Stheneur_2008, Campens_2015, Luo_2016, Hicks_2018, Seo_2018, Yang_2020). These data indicate that the variant is very likely to be associated with disease. To our knowledge, no experimental evidence demonstrating an impact on protein function has been reported. Three ClinVar submitters (evaluation after 2014) cite the variant as pathogenic. Based on the evidence outlined above, the variant was classified as pathogenic.

GeneDx
Classification: Pathogenic. Last evaluated: 2022-07-11. Review status: criteria provided, single submitter. Criteria: GeneDx Variant Classification Process June 2021. Collection method: clinical testing. Allele origin: germline. Affected: yes.
Comment: In-frame deletion of 1 amino acid in a non-repeat region; Not observed at significant frequency in large population cohorts (gnomAD); In silico analysis supports a deleterious effect on protein structure/function; This variant is associated with the following publications: (PMID: 31447099, 18781618, 27611364, 26877057, 18703712, 25644172, 32152251)

Ambry Genetics
Classification: Pathogenic for Familial thoracic aortic aneurysm and aortic dissection. Last evaluated: 2020-11-23. Review status: criteria provided, single submitter. Criteria: Ambry Variant Classification Scheme 2023. Collection method: clinical testing. Allele origin: germline.
Comment: The c.683_685delAAG pathogenic mutation (also known as p.E228del), located in coding exon 4 of the TGFBR1 gene, results from an in-frame AAG deletion at nucleotide positions 683 to 685. This results in the in-frame deletion of a glutamic acid at codon 228, located in the protein kinase domain. This variant has been detected in unrelated individuals reported to have Loeys-Dietz syndrome or related features, including reported de novo occurrences (Stheneur C et al. Hum. Mutat., 2008 Nov;29:E284-95; Lee YJ et al. J Genet Med, 2013;10(1):47-51; Campens L et al. Orphanet J Rare Dis, 2015 Feb;10:9; Luo M et al. Clin. Chim. Acta, 2016 May;456:144-148). This variant was not reported in population-based cohorts in the Genome Aggregation Database (gnomAD). In addition, this alteration is predicted to be deleterious by in silico analysis (Choi Y et al. PLoS ONE. 2012; 7(10):e46688). Based on the supporting evidence, this alteration is interpreted as a disease-causing mutation.

Laboratory for Molecular Medicine, Mass General Brigham Personalized Medicine
Classification: Pathogenic for Loeys-Dietz syndrome. Last evaluated: 2018-02-09. Review status: criteria provided, single submitter. Criteria: LMM Criteria. Collection method: clinical testing. Allele origin: germline. Inheritance: Autosomal dominant inheritance. Observed: 1 variant allele.
Comment: The p.Glu228del variant in TGFBR1 has been reported in 4 individuals with clinic al features of Loeys-Dietz Syndrome (LDS), including 3 de novo occurrences (Sthe neur 2008, Lee 2013, Campens 2015, Li 2017). It has also been reported by other clinical laboratories in ClinVar (Variation ID: 213896) and was absent from larg e population studies, though the ability of these studies to accurately detect i ndels may be limited. This variant is a deletion of 1 amino acid at position 228 and is not predicted to alter the protein reading-frame. It is unclear how this deletion impacts the protein. In summary, this variant meets criteria to be cla ssified as pathogenic for LDS in an autosomal dominant manner based upon its ide ntification in multiple affected individuals, including 3 de novo occurrences, a nd absence in the general population. ACMG/AMP Criteria applied (Richards 2015): PM6_Strong, PM2, PS4_Supporting.

Literature cited by the submitters: PubMed 18781618 (cited by 4 submitters); PubMed 25644172 (cited by 4 submitters); PubMed 29510914 (cited by Labcorp Genetics (formerly Invitae), Labcorp and Women's Health and Genetics/Laboratory Corporation of America, LabCorp); PubMed 10 (cited by Labcorp Genetics (formerly Invitae), Labcorp); PubMed 5734 (cited by Labcorp Genetics (formerly Invitae), Labcorp); PubMed 2013 (cited by Labcorp Genetics (formerly Invitae), Labcorp); PubMed 1 (cited by Labcorp Genetics (formerly Invitae), Labcorp); PubMed 47 (cited by Labcorp Genetics (formerly Invitae), Labcorp); PubMed 26877057 (cited by Women's Health and Genetics/Laboratory Corporation of America, LabCorp and Ambry Genetics); PubMed 29768367 (cited by Women's Health and Genetics/Laboratory Corporation of America, LabCorp); PubMed 31915033 (cited by Women's Health and Genetics/Laboratory Corporation of America, LabCorp and Ambry Genetics); PubMed 27611364 (cited by Ambry Genetics); PubMed 18703712 (cited by Laboratory for Molecular Medicine, Mass General Brigham Personalized Medicine); PubMed 21358634 (cited by Laboratory for Molecular Medicine, Mass General Brigham Personalized Medicine).